The following is an entry in ClinVar:

ClinVar aggregate classification (germline): Uncertain significance. Review status: criteria provided, multiple submitters, no conflicts (2 of 4 stars). 2 submissions from 2 submitters: Uncertain significance (2). Last evaluated 2025-08-06.

Conditions:
Inborn genetic diseases. Identifiers: MedGen C0950123, MeSH D030342.

Allele frequency attached by ClinVar (database versions not stated): TOPMed below 0.00001; gnomAD 0.00001; gnomAD exomes 0.00001.
gnomAD v4.1: 18 of 1,612,608 alleles (0.0011%); highest among the groups gnomAD compares: Non-Finnish European, 0.0015%; no homozygotes.

Submissions (2):

Ambry Genetics
Classification: Uncertain significance for Inborn genetic diseases. Last evaluated: 2025-08-06. Review status: criteria provided, single submitter. Criteria: Ambry Variant Classification Scheme 2023. Collection method: clinical testing. Allele origin: germline.

Labcorp Genetics (formerly Invitae), Labcorp
Classification: Uncertain significance. Last evaluated: 2022-04-16. Review status: criteria provided, single submitter. Criteria: Invitae Variant Classification Sherloc (09022015). Collection method: clinical testing. Allele origin: germline.
Comment: This sequence change replaces glycine, which is neutral and non-polar, with alanine, which is neutral and non-polar, at codon 326 of the MPDZ protein (p.Gly326Ala). This variant is present in population databases (no rsID available, gnomAD 0.004%). This variant has not been reported in the literature in individuals affected with MPDZ-related conditions. Algorithms developed to predict the effect of missense changes on protein structure and function (SIFT, PolyPhen-2, Align-GVGD) all suggest that this variant is likely to be disruptive. In summary, the available evidence is currently insufficient to determine the role of this variant in disease. Therefore, it has been classified as a Variant of Uncertain Significance.

NM_001378778.1(MPDZ):c.977G>C (p.Gly326Ala)

Gene: MPDZ (multiple PDZ domain crumbs cell polarity complex component; minus strand). Cytogenetic location: 9p23.
Variant type: single nucleotide variant.
Coding change: c.977G>C on transcript NM_001378778.1 (MANE Select); coding-DNA position 977, G replaced by C.
Protein change: p.Gly326Ala; replaces glycine 326 with alanine.
Molecular consequence: missense variant.
Genome position (GRCh38, 1-based): chr9:13,219,668, C>G on the plus strand (G>C on the coding strand, the complement: MPDZ is on the minus strand). VCF-style: chr9-13219668-C-G. GRCh37 (hg19) VCF-style: chr9-13219667-C-G.
Other names: c.977G>C, p.Gly326Ala (NM_001261406.2, NM_001261407.2, NM_001330637.2 and 14 more transcripts); c.977G>C (NM_003829.3); short protein forms G326A.
Identifiers: ClinVar variation 1908371 (VCV001908371.3), dbSNP rs1340247120, ClinGen allele CA372945683.